The following is an entry in ClinVar:

NM_000270.3(PNP):c.*1272T>C

Gene: PNP (purine nucleoside phosphorylase; plus strand). Cytogenetic location: 14q11.2.
Variant type: single nucleotide variant.
Coding change: c.*1272T>C on transcript NM_000270.3; 1272 bases downstream of the stop codon, T replaced by C.
Genome position (GRCh38, 1-based): chr14:20,477,873, T>C. VCF-style: chr14-20477873-T-C. GRCh37 (hg19) VCF-style: chr14-20946032-T-C.
Identifiers: ClinVar variation 312755 (VCV000312755.7), dbSNP rs112849922, ClinGen allele CA10644974.
Genomic context (GRCh38, chr14:20,477,873, plus strand): 5'-ACCACACTGCCCTCCCAGGCCTGTGTGCCTTTTGAGAAAGACCAGTGCTGGATGAGCCTC[T>C]AGTAATGACAACATTTTAGTTGTTAGTGGTATAATACGGAAGAGATATTTTGCACAGGCT-3'

ClinVar aggregate classification (germline): Benign (1 of 4 stars; one submission).

Conditions:
Purine-nucleoside phosphorylase deficiency. Also called: Immunodeficiency due to purine nucleoside phosphorylase deficiency; NUCLEOSIDE PHOSPHORYLASE DEFICIENCY. Identifiers: Orphanet 760, MedGen C0268125, MONDO:0013171, OMIM 613179.

Allele frequency attached by ClinVar (database versions not stated): gnomAD 0.00497 and 0.00520; TOPMed 0.00581; 1000 Genomes Project 30x 0.00547; 1000 Genomes Project 0.00559.

Submission:

Illumina Laboratory Services, Illumina
Classification: Benign for Purine-nucleoside phosphorylase deficiency. Last evaluated: 2018-01-13. Review status: criteria provided, single submitter. Criteria: ICSL Variant Classification Criteria 13 December 2019. Collection method: clinical testing. Allele origin: germline.
Comment: This variant was observed in the ICSL laboratory as part of a predisposition screen in an ostensibly healthy population. It had not been previously curated by ICSL or reported in the Human Gene Mutation Database (HGMD: prior to June 1st, 2018), and was therefore a candidate for classification through an automated scoring system. Utilizing variant allele frequency, disease prevalence and penetrance estimates, and inheritance mode, an automated score was calculated to assess if this variant is too frequent to cause the disease. Based on the score and internal cut-off values, a variant classified as benign is not then subjected to further curation. The score for this variant resulted in a classification of benign for this disease.